The following is an entry in ClinVar:

ClinVar aggregate classification (germline): Uncertain significance (1 of 4 stars; one submission).

Submission:

Ambry Genetics
Classification: Uncertain significance. Last evaluated: 2026-06-01. Review status: criteria provided, single submitter. Criteria: Ambry Variant Classification Scheme 2023. Collection method: clinical testing. Allele origin: germline.
Comment: The c.656delG variant, located in coding exon 1 of the EGLN1 gene, results from a deletion of one nucleotide at nucleotide position 656, causing a translational frameshift with a predicted alternate stop codon (p.G219Dfs*55). The evidence for this gene-disease relationship is limited; therefore, the clinical significance of this variant is unclear.

NM_022051.3(EGLN1):c.656del (p.Gly219fs)

Gene: EGLN1 (egl-9 family hypoxia inducible factor 1; minus strand). Cytogenetic location: 1q42.2.
Variant type: Deletion.
Coding change: c.656del on transcript NM_022051.3 (MANE Select); coding-DNA position 656, one base deleted (G; older notation c.656delG).
Protein change: p.Gly219fs; shifts the reading frame from glycine 219.
Molecular consequence: frameshift variant.
Genome position (GRCh38, 1-based): chr1:231,421,233, C deleted on the plus strand (G on the coding strand, the reverse complement: EGLN1 is on the minus strand); the first of 2 consecutive C bases (chr1:231,421,233-231,421,234); deleting either gives the same sequence. VCF-style (leftmost placement, unchanged base first): chr1-231421232-TC-T. GRCh37 (hg19) VCF-style: chr1-231556978-TC-T.
Other names: c.656del, p.Gly219fs (NM_001377260.1, NM_001377261.1); short protein forms G219fs.
Identifiers: ClinVar variation 4870327 (VCV004870327.1).